The following is an entry in ClinVar:

NM_003801.4(GPAA1):c.1029C>G (p.Phe343Leu)

Gene: GPAA1 (glycosylphosphatidylinositol anchor attachment 1; plus strand). Cytogenetic location: 8q24.3.
Variant type: single nucleotide variant.
Coding change: c.1029C>G on transcript NM_003801.4 (MANE Select); coding-DNA position 1029, C replaced by G.
Protein change: p.Phe343Leu; replaces phenylalanine 343 with leucine.
Molecular consequence: missense variant.
Genome position (GRCh38, 1-based): chr8:144,084,740, C>G. VCF-style: chr8-144084740-C-G. GRCh37 (hg19) VCF-style: chr8-145139643-C-G.
Other names: short protein forms F343L.
Identifiers: ClinVar variation 1942327 (VCV001942327.5), dbSNP rs1283856780, ClinGen allele CA372500566.

ClinVar aggregate classification (germline): Uncertain significance (1 of 4 stars; one submission).

gnomAD v4.1: 1 of 1,613,900 alleles (0.000062%); highest among the groups gnomAD compares: Admixed American, 0.0017%; no homozygotes.

Submission:

Labcorp Genetics (formerly Invitae), Labcorp
Classification: Uncertain significance. Last evaluated: 2021-12-20. Review status: criteria provided, single submitter. Criteria: Invitae Variant Classification Sherloc (09022015). Collection method: clinical testing. Allele origin: germline.
Comment: This sequence change replaces phenylalanine, which is neutral and non-polar, with leucine, which is neutral and non-polar, at codon 343 of the GPAA1 protein (p.Phe343Leu). This variant is not present in population databases (gnomAD no frequency). This variant has not been reported in the literature in individuals affected with GPAA1-related conditions. Algorithms developed to predict the effect of missense changes on protein structure and function (SIFT, PolyPhen-2, Align-GVGD) all suggest that this variant is likely to be tolerated. In summary, the available evidence is currently insufficient to determine the role of this variant in disease. Therefore, it has been classified as a Variant of Uncertain Significance.